The following is an entry in ClinVar:

NM_001267550.2(TTN):c.105953C>A (p.Thr35318Asn)

Genes: TTN (titin; minus strand), TTN-AS1 (TTN antisense RNA 1; plus strand), LOC129935183 (ATAC-STARR-seq lymphoblastoid active region 16808; plus strand). Cytogenetic location: 2q31.2.
Variant type: single nucleotide variant.
Coding change: c.105953C>A on transcript NM_001267550.2 (MANE Select); coding-DNA position 105953, C replaced by A.
Protein change: p.Thr35318Asn; replaces threonine 35318 with asparagine.
Molecular consequence: missense variant.
Genome position (GRCh38, 1-based): chr2:178,530,662, G>T on the plus strand (C>A on the coding strand, the complement: TTN is on the minus strand). VCF-style: chr2-178530662-G-T. GRCh37 (hg19) VCF-style: chr2-179395389-G-T.
Other names: c.101030C>A, p.Thr33677Asn (NM_001256850.1); c.78758C>A, p.Thr26253Asn (NM_003319.4); c.98249C>A, p.Thr32750Asn (NM_133378.4); c.79133C>A, p.Thr26378Asn (NM_133432.3); c.79334C>A, p.Thr26445Asn (NM_133437.4); short protein forms T26253N, T26445N, T32750N, T26378N, T33677N, T35318N.
Identifiers: ClinVar variation 1383861 (VCV001383861.6), dbSNP rs1391706140, ClinGen allele CA349407366.
Genomic context (GRCh38, chr2:178,530,662, plus strand): 5'-GCTGAATAATGAAACTGGAAATGCCCATTTTCCTTCAGTTTCTTGCCATCTTTATACCAG[G>T]TGACCTCTTTTGCCCTTAATACACTGCTTTCAACCACACAGGTCAGTTTTGCAATCTCTT-3'
Protein context (NP_001254479.2, residues 35308-35328): ESSVLRAKEV[Thr35318Asn]WYKDGKKLKE

ClinVar aggregate classification (germline): Uncertain significance (1 of 4 stars; one submission).

Conditions:
Dilated cardiomyopathy 1G (CMD1G). Identifiers: Orphanet 154, MedGen C1858763, MONDO:0011400, OMIM 604145.
Autosomal recessive limb-girdle muscular dystrophy type 2J (LGMDR10). Also called: MUSCULAR DYSTROPHY, LIMB-GIRDLE, AUTOSOMAL RECESSIVE 10; Limb-girdle muscular dystrophy, type 2J. Identifiers: Orphanet 140922, MedGen C1837342, MONDO:0012127, OMIM 608807.

Allele frequency attached by ClinVar (database versions not stated): TOPMed below 0.00001; gnomAD 0.00001.
gnomAD v4.1: 1 of 1,613,788 alleles (0.000062%); highest among the groups gnomAD compares: Non-Finnish European, 0.000085%; no homozygotes.

Submission:

Labcorp Genetics (formerly Invitae), Labcorp
Classification: Uncertain significance for Dilated cardiomyopathy 1G; Autosomal recessive limb-girdle muscular dystrophy type 2J. Last evaluated: 2022-06-27. Review status: criteria provided, single submitter. Criteria: Invitae Variant Classification Sherloc (09022015). Collection method: clinical testing. Allele origin: germline.
Comment: Experimental studies and prediction algorithms are not available or were not evaluated, and the functional significance of this variant is currently unknown. This sequence change replaces threonine with asparagine at codon 35318 of the TTN protein (p.Thr35318Asn). There is a small physicochemical difference between threonine and asparagine. This variant is not present in population databases (gnomAD no frequency). This variant has not been reported in the literature in individuals affected with TTN-related conditions. This variant is located in the M band of TTN (PMID: 25589632). Variants in this region may be relevant for neuromuscular disorders, but have not been definitively shown to cause cardiomyopathy (PMID: 23975875). In summary, the available evidence is currently insufficient to determine the role of this variant in disease. Therefore, it has been classified as a Variant of Uncertain Significance.

Literature cited by the submitters: PubMed 25589632; PubMed 23975875.